The following is an entry in ClinVar:

ClinVar aggregate classification (germline): Uncertain significance (1 of 4 stars; one submission).

Conditions:
Inborn genetic diseases. Identifiers: MedGen C0950123, MeSH D030342.

Submission:

Ambry Genetics
Classification: Uncertain significance for Inborn genetic diseases. Last evaluated: 2025-06-23. Review status: criteria provided, single submitter. Criteria: Ambry Variant Classification Scheme 2023. Collection method: clinical testing. Allele origin: germline.
Comment: The c.-18-2A>T intronic alteration consists of a A to T substitution two nucleotides before exon 3 (coding exon 1) of the GRIN2A gene. Alterations that disrupt the canonical splice site are expected to result in aberrant splicing. The exact functional effect of this alteration is unknown. This variant was not reported in population-based cohorts in the Genome Aggregation Database (gnomAD). In silico splice site analysis predicts that this alteration will weaken the native splice acceptor site and may result in the creation or strengthening of a novel splice acceptor site. Based on insufficient or conflicting evidence, the clinical significance of this alteration remains unclear.

NM_001134407.3(GRIN2A):c.-18-2A>T

Gene: GRIN2A (glutamate ionotropic receptor NMDA type subunit 2A; minus strand). Cytogenetic location: 16p13.2.
Variant type: single nucleotide variant.
Coding change: c.-18-2A>T on transcript NM_001134407.3 (MANE Select); the canonical splice acceptor site of the intron before 18 bases upstream of the start codon, A replaced by T.
Molecular consequence: splice acceptor variant.
Genome position (GRCh38, 1-based): chr16:10,180,431, T>A on the plus strand (A>T on the coding strand, the complement: GRIN2A is on the minus strand). VCF-style: chr16-10180431-T-A. GRCh37 (hg19) VCF-style: chr16-10274288-T-A.
Other names: c.-18-2A>T (NM_001134408.2, NM_000833.5).
Identifiers: ClinVar variation 4267037 (VCV004267037.1).
Genomic context (GRCh38, chr16:10,180,431, plus strand): 5'-GCCGGCAGCACCAGCAGGGTCCAATAGCCCACTCTGCCCATAGTCGCCACTGACGGTCCC[T>A]GCAAGGTGAAGAGTGAGAGGCAGGGCCGCGGTGAGCAAGGCGACCAGAAGAAAGGGATTA-3'